The following is an entry in ClinVar:

ClinVar aggregate classification (germline): Uncertain significance. Review status: criteria provided, multiple submitters, no conflicts (2 of 4 stars). 2 submissions from 2 submitters: Uncertain significance (2). Last evaluated 2024-08-27.

Conditions:
Inborn genetic diseases. Identifiers: MedGen C0950123, MeSH D030342.
Congenital myasthenic syndrome 8. Also called: Myasthenic syndrome, congenital, 8, with pre- and postsynaptic defects; MYASTHENIC SYNDROME, CONGENITAL, DUE TO AGRIN DEFICIENCY. Identifiers: Orphanet 590, MedGen C3808739, MONDO:0014052, OMIM 615120.

Allele frequency attached by ClinVar (database versions not stated): 1000 Genomes Project 30x 0.00016; gnomAD 0.00001; gnomAD exomes 0.00002; TOPMed 0.00002; ExAC 0.00003; 1000 Genomes Project 0.00020.
gnomAD v4.1: 7 of 1,612,914 alleles (0.00043%); highest among the groups gnomAD compares: Admixed American, 0.0067%; no homozygotes.

Submissions (2):

Ambry Genetics
Classification: Uncertain significance for Inborn genetic diseases. Last evaluated: 2024-08-27. Review status: criteria provided, single submitter. Criteria: Ambry Variant Classification Scheme 2023. Collection method: clinical testing. Allele origin: germline.

Labcorp Genetics (formerly Invitae), Labcorp
Classification: Uncertain significance for Congenital myasthenic syndrome 8. Last evaluated: 2020-11-11. Review status: criteria provided, single submitter. Criteria: Invitae Variant Classification Sherloc (09022015). Collection method: clinical testing. Allele origin: germline.
Comment: In summary, the available evidence is currently insufficient to determine the role of this variant in disease. Therefore, it has been classified as a Variant of Uncertain Significance. Algorithms developed to predict the effect of missense changes on protein structure and function (SIFT, PolyPhen-2, Align-GVGD) all suggest that this variant is likely to be tolerated, but these predictions have not been confirmed by published functional studies and their clinical significance is uncertain. This variant has not been reported in the literature in individuals with AGRN-related conditions. This variant is present in population databases (rs571230424, ExAC 0.02%). This sequence change replaces aspartic acid with asparagine at codon 1175 of the AGRN protein (p.Asp1175Asn). The aspartic acid residue is moderately conserved and there is a small physicochemical difference between aspartic acid and asparagine.

NM_198576.4(AGRN):c.3523G>A (p.Asp1175Asn)

Gene: AGRN (agrin; plus strand). Cytogenetic location: 1p36.33.
Variant type: single nucleotide variant.
Coding change: c.3523G>A on transcript NM_198576.4 (MANE Select); coding-DNA position 3523, G replaced by A.
Protein change: p.Asp1175Asn; replaces aspartic acid 1175 with asparagine.
Molecular consequence: missense variant.
Genome position (GRCh38, 1-based): chr1:1,047,579, G>A. VCF-style: chr1-1047579-G-A. GRCh37 (hg19) VCF-style: chr1-982959-G-A.
Other names: c.3523G>A, p.Asp1175Asn (NM_001305275.2); c.3208G>A, p.Asp1070Asn (NM_001364727.2); c.3523G>A (NM_198576.3); short protein forms D1070N, D1175N.
Identifiers: ClinVar variation 1483583 (VCV001483583.7), dbSNP rs571230424, ClinGen allele CA509127.
Genomic context (GRCh38, chr1:1,047,579, plus strand): 5'-CAGGGCAGCCCGGCTTGGGCGGCCCCCCAAGTCCTTGCCTACTCCCTGCCACAGCTGGAC[G>A]ACCTCTTCCGGAATTCAGACGTCAAGAAGGATTTTCGGAGTGTCCGCTTGCGGGACCTGG-3'
Protein context (NP_940978.2, residues 1165-1185): TARSIESTLD[Asp1175Asn]LFRNSDVKKD